The following is an entry in ClinVar:

ClinVar aggregate classification (germline): Likely pathogenic (1 of 4 stars; one submission).

Submission:

Dasa
Classification: Likely pathogenic. Last evaluated: 2025-08-02. Review status: criteria provided, single submitter. Criteria: DASA Assertion Criteria. Collection method: clinical testing. Allele origin: germline.
Comment: NM_006129.5(BMP1):c.263-1G>C affects a canonical splice site and is predicted to disrupt normal RNA splicing. Loss of function is an established disease mechanism for BMP1-associated disorders. Also, this variant is absent from population databases. Based on the currently available evidence, this variant is classified as likely pathogenic.

NM_006129.5(BMP1):c.263-1G>C

Gene: BMP1 (bone morphogenetic protein 1; plus strand). Cytogenetic location: 8p21.3.
Variant type: single nucleotide variant.
Coding change: c.263-1G>C on transcript NM_006129.5 (MANE Select); the canonical splice acceptor site of the intron before coding-DNA position 263, G replaced by C.
Molecular consequence: splice acceptor variant.
Genome position (GRCh38, 1-based): chr8:22,176,142, G>C. VCF-style: chr8-22176142-G-C. GRCh37 (hg19) VCF-style: chr8-22033655-G-C.
Other names: c.263-1G>C (NM_001199.4).
Identifiers: ClinVar variation 4885020 (VCV004885020.2).